The following is an entry in ClinVar:

NM_006531.5(IFT88):c.1190G>T (p.Gly397Val)

Gene: IFT88 (intraflagellar transport 88; plus strand). Cytogenetic location: 13q12.11.
Variant type: single nucleotide variant.
Coding change: c.1190G>T on transcript NM_006531.5 (MANE Select); coding-DNA position 1190, G replaced by T.
Protein change: p.Gly397Val; replaces glycine 397 with valine.
Molecular consequence: missense variant. On other transcripts: non-coding transcript variant (5), intron variant (1).
Genome position (GRCh38, 1-based): chr13:20,615,870, G>T. VCF-style: chr13-20615870-G-T. GRCh37 (hg19) VCF-style: chr13-21190009-G-T.
Other names: c.1133G>T, p.Gly378Val (NM_001318491.2, NM_001353575.2); c.1217G>T, p.Gly406Val (NM_001318493.2, NM_001353565.2, NM_001353566.2 and 2 more transcripts); c.1190G>T, p.Gly397Val (NM_001353568.2, NM_001353572.2); c.1115G>T, p.Gly372Val (NM_001353569.2, NM_001353570.2, NM_001353576.2 and 1 more transcripts); c.1088G>T, p.Gly363Val (NM_001353571.2, NM_001353578.2); c.1031G>T, p.Gly344Val (NM_001353574.2); c.557G>T, p.Gly186Val (NM_001353579.2); c.1056-9880G>T (NM_001353573.2); short protein forms G363V, G397V, G344V, G406V, G186V, G372V, G378V.
Identifiers: ClinVar variation 4763397 (VCV004763397.1).

ClinVar aggregate classification (germline): Uncertain significance (1 of 4 stars; one submission).

Submission:

Labcorp Genetics (formerly Invitae), Labcorp
Classification: Uncertain significance. Last evaluated: 2026-01-21. Review status: criteria provided, single submitter. Criteria: Invitae Variant Classification Sherloc (09022015). Collection method: clinical testing. Allele origin: germline.
Comment: This sequence change replaces glycine, which is neutral and non-polar, with valine, which is neutral and non-polar, at codon 406 of the IFT88 protein (p.Gly406Val). This variant is not present in population databases (gnomAD no frequency). This variant has not been reported in the literature in individuals affected with IFT88-related conditions. An algorithm developed to predict the effect of missense changes on protein structure and function (PolyPhen-2) suggests that this variant is likely to be disruptive. In summary, the available evidence is currently insufficient to determine the role of this variant in disease. Therefore, it has been classified as a Variant of Uncertain Significance.